The following is an entry in ClinVar:

ClinVar aggregate classification (germline): Likely benign (1 of 4 stars; one submission).

Conditions:
PLEC-related disorder. Also called: PLEC-related disorders; PLEC-related condition.

gnomAD v4.1: 1 of 1,614,040 alleles (0.000062%); no homozygotes.

Submission:

PreventionGenetics, part of Exact Sciences
Classification: Likely benign for PLEC-related condition. Last evaluated: 2026-01-15. Review status: criteria provided, single submitter. Criteria: ACMG Guidelines, 2015. Collection method: clinical testing. Allele origin: germline.
Comment: This variant is classified as likely benign based on ACMG/AMP sequence variant interpretation guidelines (Richards et al. 2015 PMID: 25741868, with internal and published modifications).

NM_201384.3(PLEC):c.10527C>T (p.Thr3509=)

Gene: PLEC (plectin; minus strand). Cytogenetic location: 8q24.3.
Variant type: single nucleotide variant.
Coding change: c.10527C>T on transcript NM_201384.3 (MANE Select); coding-DNA position 10527, C replaced by T.
Protein change: p.Thr3509=; no amino-acid change (threonine 3509 retained).
Molecular consequence: synonymous variant.
Genome position (GRCh38, 1-based): chr8:143,919,294, G>A on the plus strand (C>T on the coding strand, the complement: PLEC is on the minus strand). VCF-style: chr8-143919294-G-A. GRCh37 (hg19) VCF-style: chr8-144993462-G-A.
Other names: c.10608C>T, p.Thr3536= (NM_000445.5); c.7227C>T, p.Thr2409= (NM_001410941.1); c.10485C>T, p.Thr3495= (NM_201378.4); c.10461C>T, p.Thr3487= (NM_201379.3); c.10938C>T, p.Thr3646= (NM_201380.4); c.10431C>T, p.Thr3477= (NM_201381.3); c.10527C>T, p.Thr3509= (NM_201382.4); c.10539C>T, p.Thr3513= (NM_201383.3).
Identifiers: ClinVar variation 4994839 (VCV004994839.1).